The following is an entry in ClinVar:

NM_012431.3(SEMA3E):c.360G>A (p.Arg120=)

Gene: SEMA3E (semaphorin 3E; minus strand). Cytogenetic location: 7q21.11.
Variant type: single nucleotide variant.
Coding change: c.360G>A on transcript NM_012431.3 (MANE Select); coding-DNA position 360, G replaced by A.
Protein change: p.Arg120=; no amino-acid change (arginine 120 retained).
Molecular consequence: synonymous variant.
Genome position (GRCh38, 1-based): chr7:83,466,578, C>T on the plus strand (G>A on the coding strand, the complement: SEMA3E is on the minus strand). VCF-style: chr7-83466578-C-T. GRCh37 (hg19) VCF-style: chr7-83095894-C-T.
Other names: c.180G>A, p.Arg60= (NM_001178129.2).
Identifiers: ClinVar variation 3048610 (VCV003048610.3), dbSNP rs755367359, ClinGen allele CA4322356.

ClinVar aggregate classification (germline): Likely benign. Review status: criteria provided, single submitter (1 of 4 stars). 2 submissions from 2 submitters: Likely benign (1). 1 of the submissions does not count toward it. Last evaluated 2022-07-11.

Conditions:
SEMA3E-related disorder. Also called: SEMA3E-related condition.

Allele frequency attached by ClinVar (database versions not stated): ExAC 0.00001; gnomAD 0.00001; TOPMed 0.00001.
gnomAD v4.1: 7 of 1,613,574 alleles (0.00043%); highest among the groups gnomAD compares: African/African-American, 0.008%; no homozygotes.

Submissions (2):

Blueprint Genetics
Classification: Likely benign. Last evaluated: 2022-07-11. Review status: criteria provided, single submitter. Criteria: ACMG Guidelines, 2015. Collection method: clinical testing. Allele origin: germline.

PreventionGenetics, part of Exact Sciences
Classification: Likely benign for SEMA3E-related condition. Last evaluated: 2022-09-22. Review status: no assertion criteria provided. Collection method: clinical testing. Allele origin: germline. Not counted in ClinVar's aggregate classification.
Comment: This variant is classified as likely benign based on ACMG/AMP sequence variant interpretation guidelines (Richards et al. 2015 PMID: 25741868, with internal and published modifications).